The following is an entry in ClinVar:

NM_000256.3(MYBPC3):c.1091-197G>T

Gene: MYBPC3 (myosin binding protein C3; minus strand). Cytogenetic location: 11p11.2.
Variant type: single nucleotide variant.
Coding change: c.1091-197G>T on transcript NM_000256.3 (MANE Select); 197 bases into the intron before coding-DNA position 1091, G replaced by T.
Molecular consequence: intron variant.
Genome position (GRCh38, 1-based): chr11:47,343,821, C>A on the plus strand (G>T on the coding strand, the complement: MYBPC3 is on the minus strand). VCF-style: chr11-47343821-C-A. GRCh37 (hg19) VCF-style: chr11-47365372-C-A.
Identifiers: ClinVar variation 675528 (VCV000675528.1), dbSNP rs11570071, ClinGen allele CA221697989.

ClinVar aggregate classification (germline): Likely benign (1 of 4 stars; one submission).

Allele frequency attached by ClinVar (database versions not stated): 1000 Genomes Project 0.00300; 1000 Genomes Project 30x 0.00328; TOPMed 0.01158.
gnomAD v4.1: 1,932 of 152,306 alleles (1.3%); highest among the groups gnomAD compares: Non-Finnish European, 2%; 14 homozygotes.

Submission:

GeneDx
Classification: Likely benign. Last evaluated: 2018-06-19. Review status: criteria provided, single submitter. Criteria: GeneDx Variant Classification (06012015). Collection method: clinical testing. Allele origin: germline. Affected: yes.
Comment: This variant is considered likely benign or benign based on one or more of the following criteria: it is a conservative change, it occurs at a poorly conserved position in the protein, it is predicted to be benign by multiple in silico algorithms, and/or has population frequency not consistent with disease.